The following is an entry in ClinVar:

NM_153033.5(KCTD7):c.601C>A (p.Pro201Thr)

Gene: KCTD7 (potassium channel tetramerization domain containing 7; plus strand). Cytogenetic location: 7q11.21.
Variant type: single nucleotide variant.
Coding change: c.601C>A on transcript NM_153033.5 (MANE Select); coding-DNA position 601, C replaced by A.
Protein change: p.Pro201Thr; replaces proline 201 with threonine.
Molecular consequence: missense variant.
Genome position (GRCh38, 1-based): chr7:66,638,963, C>A. VCF-style: chr7-66638963-C-A. GRCh37 (hg19) VCF-style: chr7-66103950-C-A.
Other names: c.601C>A, p.Pro201Thr (NM_001167961.2); short protein forms P201T.
Identifiers: ClinVar variation 1396450 (VCV001396450.8), dbSNP rs2116775195, ClinGen allele CA367696931.

ClinVar aggregate classification (germline): Uncertain significance (1 of 4 stars; one submission).

Conditions:
Progressive myoclonic epilepsy type 3. Also called: KCTD7-Related Progressive Myoclonic Epilepsy; EPILEPSY, PROGRESSIVE MYOCLONIC, 3, WITH OR WITHOUT INTRACELLULAR INCLUSIONS; CEROID LIPOFUSCINOSIS, NEURONAL, 14; EPILEPSY, PROGRESSIVE MYOCLONIC, 3, WITHOUT INTRACELLULAR INCLUSIONS. Identifiers: Orphanet 263516, MedGen C2673257, MONDO:0012721, OMIM 611726.

Submission:

Labcorp Genetics (formerly Invitae), Labcorp
Classification: Uncertain significance for Progressive myoclonic epilepsy type 3. Last evaluated: 2022-02-05. Review status: criteria provided, single submitter. Criteria: Invitae Variant Classification Sherloc (09022015). Collection method: clinical testing. Allele origin: germline.
Comment: Algorithms developed to predict the effect of missense changes on protein structure and function (SIFT, PolyPhen-2, Align-GVGD) all suggest that this variant is likely to be disruptive. In summary, the available evidence is currently insufficient to determine the role of this variant in disease. Therefore, it has been classified as a Variant of Uncertain Significance. This variant has not been reported in the literature in individuals affected with KCTD7-related conditions. This variant is not present in population databases (gnomAD no frequency). This sequence change replaces proline, which is neutral and non-polar, with threonine, which is neutral and polar, at codon 201 of the KCTD7 protein (p.Pro201Thr).